The following is an entry in ClinVar:

ClinVar aggregate classification (germline): Uncertain significance (1 of 4 stars; one submission).

Conditions:
2-aminoadipic 2-oxoadipic aciduria (AAKAD). Also called: ALPHA-AMINOADIPIC AND ALPHA-KETOADIPIC ACIDURIA; Aminoadipic aciduria. Identifiers: Orphanet 79154, MedGen C1859817, MONDO:0008774, OMIM 204750.

Allele frequency attached by ClinVar (database versions not stated): gnomAD exomes below 0.00001.
gnomAD v4.1: 1 of 1,614,212 alleles (0.000062%); highest among the groups gnomAD compares: Non-Finnish European, 0.000085%; no homozygotes.

Submission:

Labcorp Genetics (formerly Invitae), Labcorp
Classification: Uncertain significance for 2-aminoadipic 2-oxoadipic aciduria. Last evaluated: 2024-12-16. Review status: criteria provided, single submitter. Criteria: Invitae Variant Classification Sherloc (09022015). Collection method: clinical testing. Allele origin: germline.
Comment: This sequence change replaces isoleucine, which is neutral and non-polar, with valine, which is neutral and non-polar, at codon 675 of the DHTKD1 protein (p.Ile675Val). This variant is not present in population databases (gnomAD no frequency). This variant has not been reported in the literature in individuals affected with DHTKD1-related conditions. ClinVar contains an entry for this variant (Variation ID: 2141530). Invitae Evidence Modeling of protein sequence and biophysical properties (such as structural, functional, and spatial information, amino acid conservation, physicochemical variation, residue mobility, and thermodynamic stability) indicates that this missense variant is not expected to disrupt DHTKD1 protein function with a negative predictive value of 80%. In summary, the available evidence is currently insufficient to determine the role of this variant in disease. Therefore, it has been classified as a Variant of Uncertain Significance.

NM_018706.7(DHTKD1):c.2023A>G (p.Ile675Val)

Gene: DHTKD1 (dehydrogenase E1 and transketolase domain containing 1; plus strand). Cytogenetic location: 10p14.
Variant type: single nucleotide variant.
Coding change: c.2023A>G on transcript NM_018706.7 (MANE Select); coding-DNA position 2023, A replaced by G.
Protein change: p.Ile675Val; replaces isoleucine 675 with valine.
Molecular consequence: missense variant.
Genome position (GRCh38, 1-based): chr10:12,106,372, A>G. VCF-style: chr10-12106372-A-G. GRCh37 (hg19) VCF-style: chr10-12148371-A-G.
Other names: short protein forms I675V.
Identifiers: ClinVar variation 2141530 (VCV002141530.4), dbSNP rs2491503929, ClinGen allele CA376011672.